The following is an entry in ClinVar:

NM_006087.4(TUBB4A):c.*429C>T

Gene: TUBB4A (tubulin beta 4A class IVa; minus strand). Cytogenetic location: 19p13.3.
Variant type: single nucleotide variant.
Coding change: c.*429C>T on transcript NM_006087.4 (MANE Select); 429 bases downstream of the stop codon, C replaced by T.
Molecular consequence: 3 prime UTR variant.
Genome position (GRCh38, 1-based): chr19:6,494,735, G>A on the plus strand (C>T on the coding strand, the complement: TUBB4A is on the minus strand). VCF-style: chr19-6494735-G-A. GRCh37 (hg19) VCF-style: chr19-6494746-G-A.
Other names: c.*429C>T (NM_001289123.2, NM_001289127.2, NM_001289129.2 and 2 more transcripts).
Identifiers: ClinVar variation 330253 (VCV000330253.5), dbSNP rs567346964, ClinGen allele CA10649171.
Genomic context (GRCh38, chr19:6,494,735, plus strand): 5'-CAGAGATCAAAGAGAAGTTGGGGTCAGAGGTAGGAGCTGGGGCTCAGGTGGGGGGTTAAA[G>A]GTGAGGCAAGGTCAGCGGTGAAGTGCAGCTCAGAGGGAGGGGTCAAACATAAACCAGAAC-3'

ClinVar aggregate classification (germline): Benign. Review status: criteria provided, single submitter (1 of 4 stars). 2 submissions from 1 submitter: Benign (2). Last evaluated 2018-01-13.

Conditions:
Leukodystrophy, hypomyelinating, 6. Also called: LEUKODYSTROPHY, HYPOMYELINATING, WITH ATROPHY OF THE BASAL GANGLIA AND CEREBELLUM; TUBB4A-Associated Leukodystrophy; Hypomyelination with Atrophy of Basal Ganglia and Cerebellum (H-ABC). Identifiers: Orphanet 139441, MedGen C2676244, MONDO:0012905, OMIM 612438.
Torsion dystonia 4. Also called: DYT-TUBB4A (Autosomal Dominant Torsion Dystonia); DYSTONIA MUSCULORUM DEFORMANS 4. Identifiers: Orphanet 98805, MedGen C1851943, MONDO:0007493, OMIM 128101.

Allele frequency attached by ClinVar (database versions not stated): gnomAD exomes 0.00044; 1000 Genomes Project 0.00260; gnomAD 0.00354 and 0.00380; 1000 Genomes Project 30x 0.00390.
gnomAD v4.1: 566 of 222,072 alleles (0.25%); highest among the groups gnomAD compares: African/African-American, 1.2%; 4 homozygotes.

Submissions (2):

Illumina Laboratory Services, Illumina
Classification: Benign for Torsion dystonia 4. Last evaluated: 2018-01-13. Review status: criteria provided, single submitter. Criteria: ICSL Variant Classification Criteria 13 December 2019. Collection method: clinical testing. Allele origin: germline.
Comment: This variant was observed in the ICSL laboratory as part of a predisposition screen in an ostensibly healthy population. It had not been previously curated by ICSL or reported in the Human Gene Mutation Database (HGMD: prior to June 1st, 2018), and was therefore a candidate for classification through an automated scoring system. Utilizing variant allele frequency, disease prevalence and penetrance estimates, and inheritance mode, an automated score was calculated to assess if this variant is too frequent to cause the disease. Based on the score and internal cut-off values, a variant classified as benign is not then subjected to further curation. The score for this variant resulted in a classification of benign for this disease.

Illumina Laboratory Services, Illumina
Classification: Benign for Leukodystrophy, hypomyelinating, 6. Last evaluated: 2018-01-13. Review status: criteria provided, single submitter. Criteria: ICSL Variant Classification Criteria 13 December 2019. Collection method: clinical testing. Allele origin: germline.
Comment: the same text as in the submission from Illumina Laboratory Services, Illumina above.